The following is an entry in ClinVar:

NM_001035.3(RYR2):c.2046A>T (p.Thr682=)

Gene: RYR2 (ryanodine receptor 2; plus strand). Cytogenetic location: 1q43.
Variant type: single nucleotide variant.
Coding change: c.2046A>T on transcript NM_001035.3 (MANE Select); coding-DNA position 2046, A replaced by T.
Protein change: p.Thr682=; no amino-acid change (threonine 682 retained).
Molecular consequence: synonymous variant.
Genome position (GRCh38, 1-based): chr1:237,496,595, A>T. VCF-style: chr1-237496595-A-T. GRCh37 (hg19) VCF-style: chr1-237659895-A-T.
Other names: c.2046A>T, p.Thr682= (LRG_402t1).
Identifiers: ClinVar variation 507588 (VCV000507588.3), dbSNP rs116098815, ClinGen allele CA424030689.

ClinVar aggregate classification (germline): Likely benign. Review status: criteria provided, multiple submitters, no conflicts (2 of 4 stars). 2 submissions from 2 submitters: Likely benign (2). Last evaluated 2024-06-09.

Conditions:
Catecholaminergic polymorphic ventricular tachycardia 1. Also called: VENTRICULAR TACHYCARDIA, CATECHOLAMINERGIC POLYMORPHIC, 1, WITH OR WITHOUT ATRIAL DYSFUNCTION AND/OR DILATED CARDIOMYOPATHY; RYR2-Related Catecholaminergic Polymorphic Ventricular Tachycardia; VENTRICULAR TACHYCARDIA, STRESS-INDUCED POLYMORPHIC 1. Identifiers: Orphanet 3286, MedGen C1631597, MONDO:0011484, OMIM 604772.

Submissions (2):

Labcorp Genetics (formerly Invitae), Labcorp
Classification: Likely benign for Catecholaminergic polymorphic ventricular tachycardia 1. Last evaluated: 2024-06-09. Review status: criteria provided, single submitter. Criteria: Invitae Variant Classification Sherloc (09022015). Collection method: clinical testing. Allele origin: germline.

GeneDx
Classification: Likely benign. Last evaluated: 2017-02-21. Review status: criteria provided, single submitter. Criteria: GeneDx Variant Classification (06012015). Collection method: clinical testing. Allele origin: germline. Affected: yes.
Comment: This variant is considered likely benign or benign based on one or more of the following criteria: it is a conservative change, it occurs at a poorly conserved position in the protein, it is predicted to be benign by multiple in silico algorithms, and/or has population frequency not consistent with disease.